The following is an entry in ClinVar:

ClinVar aggregate classification (germline): Pathogenic (1 of 4 stars; one submission).

Conditions:
VPS13A-related neurodegenerative disease. Also called: ACANTHOCYTOSIS WITH NEUROLOGIC DISORDER; LEVINE-CRITCHLEY SYNDROME; Choreoacanthocytosis; Chorea-acanthocytosis; Choreaacanthocytosis; VPS13A Disease. Identifiers: Orphanet 2388, MedGen C0393576, MONDO:0008695, OMIM 200150.

Submission:

Myriad Genetics, Inc.
Classification: Pathogenic for VPS13A-related neurodegenerative disease. Last evaluated: 2024-05-14. Review status: criteria provided, single submitter. Criteria: Myriad Autosomal Dominant, Autosomal Recessive and X-Linked Classification Criteria (2023). Collection method: clinical testing. Allele origin: unknown.
Comment: NM_033305.2(VPS13A):c.1329_1331del3ins14(N443Kfs*20) is expected to be pathogenic in the context of VPS13A disease. This variant is predicted to lead to an abnormal or absent protein product due to the creation of a premature termination codon in VPS13A, a gene where loss-of-function variants are known to be pathogenic. Please note: this variant was assessed in the context of healthy population screening.

NM_033305.3(VPS13A):c.1329_1331delinsACTGTCTCTTATAC (p.Asn443fs)

Gene: VPS13A (vacuolar protein sorting 13 homolog A; plus strand). Cytogenetic location: 9q21.2.
Variant type: Indel.
Coding change: c.1329_1331delinsACTGTCTCTTATAC on transcript NM_033305.3 (MANE Select); coding-DNA positions 1329 to 1331, TGA replaced by ACTGTCTCTTATAC.
Protein change: p.Asn443fs; shifts the reading frame from asparagine 443.
Molecular consequence: frameshift variant.
Genome position (GRCh38, 1-based): chr9:77,226,570-77,226,572, TGA replaced by ACTGTCTCTTATAC. VCF-style: chr9-77226570-TGA-ACTGTCTCTTATAC. GRCh37 (hg19) VCF-style: chr9-79841486-TGA-ACTGTCTCTTATAC.
Other names: c.1329_1331delinsACTGTCTCTTATAC, p.Asn443fs (NM_001018037.2, NM_001018038.3, NM_015186.4); short protein forms N443fs.
Identifiers: ClinVar variation 5010924 (VCV005010924.1).